The following is an entry in ClinVar:

NM_018051.5(DYNC2I1):c.436C>A (p.Gln146Lys)

Gene: DYNC2I1 (dynein 2 intermediate chain 1; plus strand). Cytogenetic location: 7q36.3.
Variant type: single nucleotide variant.
Coding change: c.436C>A on transcript NM_018051.5 (MANE Select); coding-DNA position 436, C replaced by A.
Protein change: p.Gln146Lys; replaces glutamine 146 with lysine.
Molecular consequence: missense variant. On other transcripts: 5 prime UTR variant (4).
Genome position (GRCh38, 1-based): chr7:158,871,508, C>A. VCF-style: chr7-158871508-C-A. GRCh37 (hg19) VCF-style: chr7-158664199-C-A.
Other names: c.298C>A, p.Gln100Lys (NM_001350914.2); c.-82C>A (NM_001350915.2); c.-923C>A (NM_001350916.2); c.-931C>A (NM_001350917.2); c.-1050C>A (NM_001350918.2); short protein forms Q100K, Q146K.
Identifiers: ClinVar variation 1015573 (VCV001015573.9), dbSNP rs1251160543, ClinGen allele CA370177460.

ClinVar aggregate classification (germline): Uncertain significance (1 of 4 stars; one submission).

Conditions:
Short-rib thoracic dysplasia 8 with or without polydactyly (SRTD8). Also called: SHORT-RIB THORACIC DYSPLASIA 8 WITH POLYDACTYLY. Identifiers: Orphanet 93271, MedGen C3809691, MONDO:0014214, OMIM 615503.

Allele frequency attached by ClinVar (database versions not stated): gnomAD 0.00001; gnomAD exomes 0.00001 and 0.00002; TOPMed 0.00001.
gnomAD v4.1: 15 of 1,546,634 alleles (0.00097%); highest among the groups gnomAD compares: Non-Finnish European, 0.0012%; no homozygotes.

Submission:

Labcorp Genetics (formerly Invitae), Labcorp
Classification: Uncertain significance for Short-rib thoracic dysplasia 8 with or without polydactyly. Last evaluated: 2020-01-23. Review status: criteria provided, single submitter. Criteria: Invitae Variant Classification Sherloc (09022015). Collection method: clinical testing. Allele origin: germline.
Comment: In summary, the available evidence is currently insufficient to determine the role of this variant in disease. Therefore, it has been classified as a Variant of Uncertain Significance. Algorithms developed to predict the effect of missense changes on protein structure and function (SIFT, PolyPhen-2, Align-GVGD) all suggest that this variant is likely to be tolerated, but these predictions have not been confirmed by published functional studies and their clinical significance is uncertain. This variant has not been reported in the literature in individuals with WDR60-related conditions. This variant is not present in population databases (ExAC no frequency). This sequence change replaces glutamine with lysine at codon 146 of the WDR60 protein (p.Gln146Lys). The glutamine residue is weakly conserved and there is a small physicochemical difference between glutamine and lysine.